The following is an entry in ClinVar:

ClinVar aggregate classification (germline): Uncertain significance. Review status: criteria provided, multiple submitters, no conflicts (2 of 4 stars). 2 submissions from 2 submitters: Uncertain significance (2). Last evaluated 2023-06-13.

Allele frequency attached by ClinVar (database versions not stated): TOPMed below 0.00001; gnomAD 0.00001.
gnomAD v4.1: 1 of 1,614,060 alleles (0.000062%); highest among the groups gnomAD compares: African/African-American, 0.0013%; no homozygotes.

Submissions (2):

GeneDx
Classification: Uncertain significance. Last evaluated: 2023-06-13. Review status: criteria provided, single submitter. Criteria: GeneDx Variant Classification Process June 2021. Collection method: clinical testing. Allele origin: germline. Affected: yes.
Comment: Not observed at significant frequency in large population cohorts (gnomAD); In silico analysis supports that this missense variant does not alter protein structure/function; Has not been previously published as pathogenic or benign to our knowledge

Labcorp Genetics (formerly Invitae), Labcorp
Classification: Uncertain significance. Last evaluated: 2023-03-31. Review status: criteria provided, single submitter. Criteria: Invitae Variant Classification Sherloc (09022015). Collection method: clinical testing. Allele origin: germline.
Comment: In summary, the available evidence is currently insufficient to determine the role of this variant in disease. Therefore, it has been classified as a Variant of Uncertain Significance. Advanced modeling of protein sequence and biophysical properties (such as structural, functional, and spatial information, amino acid conservation, physicochemical variation, residue mobility, and thermodynamic stability) has been performed at Invitae for this missense variant, however the output from this modeling did not meet the statistical confidence thresholds required to predict the impact of this variant on PDYN protein function. This variant has not been reported in the literature in individuals affected with PDYN-related conditions. This variant is not present in population databases (gnomAD no frequency). This sequence change replaces lysine, which is basic and polar, with arginine, which is basic and polar, at codon 217 of the PDYN protein (p.Lys217Arg).

NM_024411.5(PDYN):c.650A>G (p.Lys217Arg)

Genes: PDYN (prodynorphin; minus strand), PDYN-AS1 (PDYN antisense RNA 1; plus strand). Cytogenetic location: 20p13.
Variant type: single nucleotide variant.
Coding change: c.650A>G on transcript NM_024411.5 (MANE Select); coding-DNA position 650, A replaced by G.
Protein change: p.Lys217Arg; replaces lysine 217 with arginine.
Molecular consequence: missense variant.
Genome position (GRCh38, 1-based): chr20:1,980,438, T>C on the plus strand (A>G on the coding strand, the complement: PDYN is on the minus strand). VCF-style: chr20-1980438-T-C. GRCh37 (hg19) VCF-style: chr20-1961084-T-C.
Other names: c.650A>G (NM_024411.4); c.650A>G, p.Lys217Arg (NM_001190892.1, NM_001190898.3, NM_001190899.2 and 1 more transcripts); short protein forms K217R.
Identifiers: ClinVar variation 2830185 (VCV002830185.4), dbSNP rs1214670418, ClinGen allele CA408002705.
Genomic context (GRCh38, chr20:1,980,438, plus strand): 5'-ACCACCTTGAACTGGCGCCGGAGAAAACCGCCATAGCGCTTCTGGTTGTCCCACTTGAGC[T>C]TGGGACGAATGCGCCGCAAGAAGCCCCCATAGCGTTTGTACAGGTCCTCATGGCCCATGC-3'
Protein context (NP_077722.1, residues 207-227): YGGFLRRIRP[Lys217Arg]LKWDNQKRYG